The following is an entry in ClinVar:

NM_001130144.3(LTBP3):c.1196C>A (p.Pro399Gln)

Gene: LTBP3 (latent transforming growth factor beta binding protein 3; minus strand). Cytogenetic location: 11q13.1.
Variant type: single nucleotide variant.
Coding change: c.1196C>A on transcript NM_001130144.3 (MANE Select); coding-DNA position 1196, C replaced by A.
Protein change: p.Pro399Gln; replaces proline 399 with glutamine.
Molecular consequence: missense variant.
Genome position (GRCh38, 1-based): chr11:65,552,397, G>T on the plus strand (C>A on the coding strand, the complement: LTBP3 is on the minus strand). VCF-style: chr11-65552397-G-T. GRCh37 (hg19) VCF-style: chr11-65319868-G-T.
Other names: p.Pro399Gln; c.845C>A, p.Pro282Gln (NM_001164266.1); c.1196C>A, p.Pro399Gln (NM_021070.4); c.1196C>A (NM_001130144.2); short protein forms P282Q, P399Q.
Identifiers: ClinVar variation 2024374 (VCV002024374.5), dbSNP rs764981765, ClinGen allele CA381274144.

ClinVar aggregate classification (germline): Uncertain significance. Review status: criteria provided, multiple submitters, no conflicts (2 of 4 stars). 2 submissions from 2 submitters: Uncertain significance (2). Last evaluated 2023-11-28.

Conditions:
Brachyolmia-amelogenesis imperfecta syndrome. Also called: Tooth agenesis, selective, 6; Dental anomalies and short stature; PLATYSPONDYLY WITH AMELOGENESIS IMPERFECTA. Identifiers: Orphanet 2899, MedGen C1832594, MONDO:0011018, OMIM 601216. Disease mechanism: loss of function.

Submissions (2):

Mayo Clinic Laboratories, Mayo Clinic
Classification: Uncertain significance. Last evaluated: 2023-11-28. Review status: criteria provided, single submitter. Criteria: ACMG Guidelines, 2015. Collection method: clinical testing. Allele origin: germline. Observed: 1 variant allele.
Comment: PM2

Labcorp Genetics (formerly Invitae), Labcorp
Classification: Uncertain significance for Brachyolmia-amelogenesis imperfecta syndrome. Last evaluated: 2022-09-23. Review status: criteria provided, single submitter. Criteria: Invitae Variant Classification Sherloc (09022015). Collection method: clinical testing. Allele origin: germline.
Comment: This sequence change replaces proline, which is neutral and non-polar, with glutamine, which is neutral and polar, at codon 399 of the LTBP3 protein (p.Pro399Gln). This variant is not present in population databases (gnomAD no frequency). This variant has not been reported in the literature in individuals affected with LTBP3-related conditions. Algorithms developed to predict the effect of missense changes on protein structure and function are either unavailable or do not agree on the potential impact of this missense change (SIFT: "Deleterious"; PolyPhen-2: "Possibly Damaging"; Align-GVGD: "Class C0"). In summary, the available evidence is currently insufficient to determine the role of this variant in disease. Therefore, it has been classified as a Variant of Uncertain Significance.